The following is an entry in ClinVar:

ClinVar aggregate classification (germline): Conflicting classifications of pathogenicity. Review status: criteria provided, conflicting classifications (1 of 4 stars). 2 submissions from 2 submitters: Uncertain significance (1); Likely benign (1). Last evaluated 2026-09-08.

Conditions:
KMT2D-related disorder. Also called: KMT2D-Related Disorders.

Submissions (2):

PreventionGenetics, part of Exact Sciences
Classification: Uncertain significance for KMT2D-related condition. Last evaluated: 2026-09-08. Review status: criteria provided, single submitter. Criteria: ACMG Guidelines, 2015. Collection method: clinical testing. Allele origin: germline.
Comment: The KMT2D c.1922A>G variant is predicted to result in the amino acid substitution p.Glu641Gly. To our knowledge, this variant has not been reported in the literature. This variant is reported in 0.00089% of alleles in individuals of European (Non-Finnish) descent in gnomAD. At this time, the clinical significance of this variant is uncertain due to the absence of conclusive functional and genetic evidence.

Blueprint Genetics
Classification: Likely benign. Last evaluated: 2023-10-26. Review status: criteria provided, single submitter. Criteria: ACMG Guidelines, 2015. Collection method: clinical testing. Allele origin: germline.

NM_003482.4(KMT2D):c.1922A>G (p.Glu641Gly)

Gene: KMT2D (lysine methyltransferase 2D; minus strand). Cytogenetic location: 12q13.12.
Variant type: single nucleotide variant.
Coding change: c.1922A>G on transcript NM_003482.4 (MANE Select); coding-DNA position 1922, A replaced by G.
Protein change: p.Glu641Gly; replaces glutamic acid 641 with glycine.
Molecular consequence: missense variant.
Genome position (GRCh38, 1-based): chr12:49,051,761, T>C on the plus strand (A>G on the coding strand, the complement: KMT2D is on the minus strand). VCF-style: chr12-49051761-T-C. GRCh37 (hg19) VCF-style: chr12-49445544-T-C.
Other names: short protein forms E641G.
Identifiers: ClinVar variation 4916686 (VCV004916686.2).